The following is an entry in ClinVar:

ClinVar aggregate classification (germline): Pathogenic/Likely pathogenic. Review status: criteria provided, multiple submitters, no conflicts (2 of 4 stars). 3 submissions from 3 submitters: Pathogenic (2); Likely pathogenic (1). Last evaluated 2025-09-12.

Conditions:
Spastic paraparesis. Identifiers: MedGen C0037771, HP:0002313.
Hereditary spastic paraplegia 4. Also called: Spastic paraplegia 4, autosomal dominant; Spastic Paraplegia 4; Familial spastic paraplegia autosomal dominant 2. Identifiers: Orphanet 100985, MedGen C1866855, MONDO:0008438, OMIM 182601.

Submissions (3):

Labcorp Genetics (formerly Invitae), Labcorp
Classification: Pathogenic for Hereditary spastic paraplegia 4. Last evaluated: 2025-09-12. Review status: criteria provided, single submitter. Criteria: Invitae Variant Classification Sherloc (09022015). Collection method: clinical testing. Allele origin: germline.
Comment: This sequence change replaces proline, which is neutral and non-polar, with leucine, which is neutral and non-polar, at codon 489 of the SPAST protein (p.Pro489Leu). This variant is not present in population databases (gnomAD no frequency). This missense change has been observed in individuals with hereditary spastic paraplegia (PMID: 11843700, 20932283, 23400676; internal data). ClinVar contains an entry for this variant (Variation ID: 989181). Invitae Evidence Modeling of protein sequence and biophysical properties (such as structural, functional, and spatial information, amino acid conservation, physicochemical variation, residue mobility, and thermodynamic stability) indicates that this missense variant is expected to disrupt SPAST protein function with a positive predictive value of 80%. This variant disrupts the p.Pro489 amino acid residue in SPAST. Other variant(s) that disrupt this residue have been observed in individuals with SPAST-related conditions (PMID: 11843700, 20932283, 23252998, 23400676), which suggests that this may be a clinically significant amino acid residue. For these reasons, this variant has been classified as Pathogenic.

Clinical Genetics Laboratory, Skane University Hospital Lund
Classification: Likely pathogenic for Spastic paraparesis. Last evaluated: 2024-10-25. Review status: criteria provided, single submitter. Criteria: ACMG Guidelines, 2015. Collection method: clinical testing. Allele origin: germline. Affected: yes.
Comment: ACMG criteria used: PS4_Moderate, PM1 (PMID: 11843700), PM2, PP3

Paris Brain Institute, Inserm - ICM
Classification: Pathogenic for Hereditary spastic paraplegia 4. Review status: criteria provided, single submitter. Criteria: ACMG Guidelines, 2015. Collection method: clinical testing. Allele origin: unknown. Affected: yes. Observed: 1 variant allele.

Literature cited by the submitters: PubMed 11843700 (cited by Labcorp Genetics (formerly Invitae), Labcorp); PubMed 20932283 (cited by Labcorp Genetics (formerly Invitae), Labcorp); PubMed 23400676 (cited by Labcorp Genetics (formerly Invitae), Labcorp); PubMed 23252998 (cited by Labcorp Genetics (formerly Invitae), Labcorp).

NM_014946.4(SPAST):c.1466C>T (p.Pro489Leu)

Gene: SPAST (spastin; plus strand). Cytogenetic location: 2p22.3.
Variant type: single nucleotide variant.
Coding change: c.1466C>T on transcript NM_014946.4 (MANE Select); coding-DNA position 1466, C replaced by T.
Protein change: p.Pro489Leu; replaces proline 489 with leucine.
Molecular consequence: missense variant.
Genome position (GRCh38, 1-based): chr2:32,137,161, C>T. VCF-style: chr2-32137161-C-T. GRCh37 (hg19) VCF-style: chr2-32362230-C-T.
Other names: c.1463C>T, p.Pro488Leu (NM_001363823.2); c.1367C>T, p.Pro456Leu (NM_001363875.2); c.1370C>T, p.Pro457Leu (NM_001377959.1, NM_199436.2); short protein forms P456L, P457L, P488L, P489L.
Identifiers: ClinVar variation 989181 (VCV000989181.4), dbSNP rs1553318331, ClinGen allele CA346502493.